The following is an entry in ClinVar:

NM_198253.3(TERT):c.2147C>G (p.Ala716Gly)

Gene: TERT (telomerase reverse transcriptase; minus strand). Cytogenetic location: 5p15.33.
Variant type: single nucleotide variant.
Coding change: c.2147C>G on transcript NM_198253.3 (MANE Select); coding-DNA position 2147, C replaced by G.
Protein change: p.Ala716Gly; replaces alanine 716 with glycine.
Molecular consequence: missense variant. On other transcripts: non-coding transcript variant (1).
Genome position (GRCh38, 1-based): chr5:1,278,780, G>C on the plus strand (C>G on the coding strand, the complement: TERT is on the minus strand). VCF-style: chr5-1278780-G-C. GRCh37 (hg19) VCF-style: chr5-1278895-G-C.
Other names: p.Ala716Gly; c.2147C>G, p.Ala716Gly (NM_001193376.3, NM_003219.1); short protein forms A716G.
Identifiers: ClinVar variation 2683650 (VCV002683650.1), dbSNP rs199422298, ClinGen allele CA359079692.

ClinVar aggregate classification (germline): Likely pathogenic (1 of 4 stars; one submission).

Submission:

Mayo Clinic Laboratories, Mayo Clinic
Classification: Likely pathogenic. Last evaluated: 2022-06-23. Review status: criteria provided, single submitter. Criteria: ACMG Guidelines, 2015. Collection method: clinical testing. Allele origin: germline. Observed: 1 variant allele.
Comment: PP2, PP3, PM1, PM2_supporting, PM5